The following is an entry in ClinVar:

NM_001355436.2(SPTB):c.6022+5G>T

Gene: SPTB (spectrin beta, erythrocytic; minus strand). Cytogenetic location: 14q23.3.
Variant type: single nucleotide variant.
Coding change: c.6022+5G>T on transcript NM_001355436.2 (MANE Select); 5 bases into the intron after coding-DNA position 6022, G replaced by T.
Molecular consequence: intron variant.
Genome position (GRCh38, 1-based): chr14:64,769,029, C>A on the plus strand (G>T on the coding strand, the complement: SPTB is on the minus strand). VCF-style: chr14-64769029-C-A. GRCh37 (hg19) VCF-style: chr14-65235747-C-A.
Other names: c.6022+5G>T (NM_001024858.4, NM_001355437.2).
Identifiers: ClinVar variation 4849959 (VCV004849959.1).
Genomic context (GRCh38, chr14:64,769,029, plus strand): 5'-CCCCATTCCCCTACTCCTGCGGGGGTACTCCTGCCCCTGGGCCCTGGCTCCAGGGCTGTA[C>A]TCACACATGCGGAGCCGCTCCCAGCGGGCTTCCCACTTCTCATTCATCTCTTTCCTCCTG-3'

ClinVar aggregate classification (germline): Likely pathogenic (0 of 4 stars; one submission).

Conditions:
Hereditary spherocytosis type 3. Also called: Spherocytosis type 3; SPTA1-Related Spherocytosis. Identifiers: Orphanet 822, MedGen C2678338, MONDO:0010053, OMIM 270970.

Submission:

Department of Pediatrics, Liaocheng People's Hospital
Classification: Likely pathogenic for Hereditary spherocytosis type 3. Last evaluated: 2026-04-30. Review status: no assertion criteria provided. Collection method: clinical testing. Allele origin: germline. Inheritance: Autosomal dominant inheritance. Affected: yes. Observed: 4 variant alleles.
Comment: This variant is a splice site alteration in SPTB gene, confirmed by Sanger sequencing and family co-segregation analysis in 4 individuals. Classified as Likely pathogenic according to ACMG 2015 guidelines.